The following is an entry in ClinVar:

ClinVar aggregate classification (germline): Uncertain significance (1 of 4 stars; one submission).

gnomAD v4.1: 10 of 1,613,780 alleles (0.00062%); highest among the groups gnomAD compares: African/African-American, 0.0013%; no homozygotes.

Submission:

GeneDx
Classification: Uncertain significance. Last evaluated: 2025-03-04. Review status: criteria provided, single submitter. Criteria: GeneDx Variant Classification Process June 2021. Collection method: clinical testing. Allele origin: germline. Affected: yes.
Comment: Not observed at significant frequency in large population cohorts (gnomAD); Missense variant in a gene in which most reported pathogenic variants are truncating/loss of function; Has not been previously published as pathogenic or benign to our knowledge

NM_001267550.2(TTN):c.107762C>T (p.Thr35921Met)

Genes: TTN (titin; minus strand), TTN-AS1 (TTN antisense RNA 1; plus strand). Cytogenetic location: 2q31.2.
Variant type: single nucleotide variant.
Coding change: c.107762C>T on transcript NM_001267550.2 (MANE Select); coding-DNA position 107762, C replaced by T.
Protein change: p.Thr35921Met; replaces threonine 35921 with methionine.
Molecular consequence: missense variant.
Genome position (GRCh38, 1-based): chr2:178,527,226, G>A on the plus strand (C>T on the coding strand, the complement: TTN is on the minus strand). VCF-style: chr2-178527226-G-A. GRCh37 (hg19) VCF-style: chr2-179391953-G-A.
Other names: c.102839C>T, p.Thr34280Met (NM_001256850.1); c.80567C>T, p.Thr26856Met (NM_003319.4); c.100058C>T, p.Thr33353Met (NM_133378.4); c.80942C>T, p.Thr26981Met (NM_133432.3); c.81143C>T, p.Thr27048Met (NM_133437.4); short protein forms T26856M, T26981M, T27048M, T33353M, T34280M, T35921M.
Identifiers: ClinVar variation 4082685 (VCV004082685.1).